The following is an entry in ClinVar:

NM_001270764.2(CHST15):c.1347+19del

Gene: CHST15 (carbohydrate sulfotransferase 15; minus strand). Cytogenetic location: 10q26.13.
Variant type: Deletion.
Coding change: c.1347+19del on transcript NM_001270764.2 (MANE Select); 19 bases into the intron after coding-DNA position 1347, one base deleted (C; older notation c.1347+19delC).
Molecular consequence: intron variant. On other transcripts: frameshift variant (2).
Genome position (GRCh38, 1-based): chr10:124,021,237, G deleted on the plus strand (C on the coding strand, the reverse complement: CHST15 is on the minus strand); the first of 12 consecutive G bases (chr10:124,021,237-124,021,248); deleting any one gives the same sequence. VCF-style (leftmost placement, unchanged base first): chr10-124021236-CG-C. GRCh37 (hg19) VCF-style: chr10-125780752-CG-C.
Other names: c.1366del, p.Arg456fs (NM_001270765.2, NM_014863.4); c.1347+19del (NM_015892.5); short protein forms R456fs.
Identifiers: ClinVar variation 1262272 (VCV001262272.2), dbSNP rs5788645, ClinGen allele CA5732854.

ClinVar aggregate classification (germline): Benign (1 of 4 stars; one submission).

Submission:

GeneDx
Classification: Benign. Last evaluated: 2021-02-23. Review status: criteria provided, single submitter. Criteria: GeneDx Variant Classification Process June 2021. Collection method: clinical testing. Allele origin: germline. Affected: yes.
Comment: This variant is associated with the following publications: (PMID: 33193662)